The following is an entry in ClinVar:

ClinVar aggregate classification (germline): Pathogenic (1 of 4 stars; one submission).

Conditions:
Leukocyte adhesion deficiency 3. Also called: Leukocyte adhesion deficiency, type III; INTEGRIN ACTIVATION DEFICIENCY DISEASE; LEUKOCYTE ADHESION DEFICIENCY 1 VARIANT. Identifiers: Orphanet 2968, Orphanet 99844, MedGen C2748536, MONDO:0013016, OMIM 612840.

Submission:

Labcorp Genetics (formerly Invitae), Labcorp
Classification: Pathogenic for Leukocyte adhesion deficiency 3. Last evaluated: 2019-03-22. Review status: criteria provided, single submitter. Criteria: Invitae Variant Classification Sherloc (09022015). Collection method: clinical testing. Allele origin: germline.
Comment: This sequence change affects a donor splice site in intron 8 of the FERMT3 gene. It is expected to disrupt RNA splicing and likely results in an absent or disrupted protein product. This variant is not present in population databases (ExAC no frequency). This variant has not been reported in the literature in individuals with FERMT3-related conditions. Algorithms developed to predict the effect of sequence changes on RNA splicing suggest that this variant may disrupt the consensus splice site, but this prediction has not been confirmed by published transcriptional studies. Donor and acceptor splice site variants typically lead to a loss of protein function (PMID: 16199547), and loss-of-function variants in FERMT3 are known to be pathogenic (PMID: 19064721, 19234463, 22134107). For these reasons, this variant has been classified as Pathogenic.

Literature cited by the submitters: PubMed 16199547; PubMed 19064721; PubMed 19234463; PubMed 22134107.

NM_031471.6(FERMT3):c.1029+2T>C

Gene: FERMT3 (FERM domain containing kindlin 3; plus strand). Cytogenetic location: 11q13.1.
Variant type: single nucleotide variant.
Coding change: c.1029+2T>C on transcript NM_031471.6 (MANE Select); the canonical splice donor site of the intron after coding-DNA position 1029, T replaced by C.
Molecular consequence: splice donor variant.
Genome position (GRCh38, 1-based): chr11:64,219,660, T>C. VCF-style: chr11-64219660-T-C. GRCh37 (hg19) VCF-style: chr11-63987132-T-C.
Other names: c.1029+2T>C (NM_001382448.1, NM_178443.3, NM_001382362.1 and 1 more transcripts); c.489+2T>C (NM_001382364.1, NM_001382363.1).
Identifiers: ClinVar variation 646802 (VCV000646802.9), dbSNP rs1591038507, ClinGen allele CA381085649.